The following is an entry in ClinVar:

ClinVar aggregate classification (germline): Uncertain significance. Review status: criteria provided, multiple submitters, no conflicts (2 of 4 stars). 2 submissions from 2 submitters: Uncertain significance (2). Last evaluated 2023-08-01.

Conditions:
Cornelia de Lange syndrome 4 (CDLS4). Also called: RAD21-Related Cornelia de Lange Syndrome; CORNELIA DE LANGE SYNDROME 4 WITH OR WITHOUT MIDLINE BRAIN DEFECTS. Identifiers: Orphanet 199, MedGen C3553517, MONDO:0013864, OMIM 614701.

Allele frequency attached by ClinVar (database versions not stated): gnomAD 0.00001; TOPMed 0.00003; ESP Exome Variant Server 0.00023.
gnomAD v4.1: 15 of 1,588,176 alleles (0.00094%); highest among the groups gnomAD compares: Non-Finnish European, 0.00086%; no homozygotes.

Submissions (2):

Labcorp Genetics (formerly Invitae), Labcorp
Classification: Uncertain significance for Cornelia de Lange syndrome 4. Last evaluated: 2023-08-01. Review status: criteria provided, single submitter. Criteria: Invitae Variant Classification Sherloc (09022015). Collection method: clinical testing. Allele origin: germline.
Comment: Advanced modeling of protein sequence and biophysical properties (such as structural, functional, and spatial information, amino acid conservation, physicochemical variation, residue mobility, and thermodynamic stability) performed at Invitae indicates that this missense variant is not expected to disrupt RAD21 protein function. In summary, the available evidence is currently insufficient to determine the role of this variant in disease. Therefore, it has been classified as a Variant of Uncertain Significance. ClinVar contains an entry for this variant (Variation ID: 1319012). This sequence change replaces serine, which is neutral and polar, with proline, which is neutral and non-polar, at codon 249 of the RAD21 protein (p.Ser249Pro). The frequency data for this variant in the population databases is considered unreliable, as metrics indicate poor data quality at this position in the gnomAD database. This variant has not been reported in the literature in individuals affected with RAD21-related conditions.

GeneDx
Classification: Uncertain significance. Last evaluated: 2019-05-24. Review status: criteria provided, single submitter. Criteria: GeneDx Variant Classification Process June 2021. Collection method: clinical testing. Allele origin: germline. Affected: yes.
Comment: Not observed at a significant frequency in large population cohorts (Lek et al., 2016); In silico analysis, which includes protein predictors and evolutionary conservation, supports that this variant does not alter protein structure/function; Has not been previously published as pathogenic or benign to our knowledge

NM_006265.3(RAD21):c.745T>C (p.Ser249Pro)

Gene: RAD21 (RAD21 cohesin complex component; minus strand). Cytogenetic location: 8q24.11.
Variant type: single nucleotide variant.
Coding change: c.745T>C on transcript NM_006265.3 (MANE Select); coding-DNA position 745, T replaced by C.
Protein change: p.Ser249Pro; replaces serine 249 with proline.
Molecular consequence: missense variant.
Genome position (GRCh38, 1-based): chr8:116,856,715, A>G on the plus strand (T>C on the coding strand, the complement: RAD21 is on the minus strand). VCF-style: chr8-116856715-A-G. GRCh37 (hg19) VCF-style: chr8-117868954-A-G.
Other names: short protein forms S249P.
Identifiers: ClinVar variation 1319012 (VCV001319012.10), dbSNP rs138762840, ClinGen allele CA4853014.